The following is an entry in ClinVar:

ClinVar aggregate classification (germline): Likely benign. Review status: criteria provided, multiple submitters, no conflicts (2 of 4 stars). 2 submissions from 2 submitters: Likely benign (2). Last evaluated 2025-12-01.

Allele frequency attached by ClinVar (database versions not stated): gnomAD 0.00003 and 0.00004; gnomAD exomes 0.00003 and 0.00008; ExAC 0.00007; TOPMed 0.00012.
gnomAD v4.1: 49 of 1,613,404 alleles (0.003%); highest among the groups gnomAD compares: Admixed American, 0.028%; 1 homozygote.

Submissions (2):

CeGaT Center for Human Genetics Tuebingen
Classification: Likely benign. Last evaluated: 2025-12-01. Review status: criteria provided, single submitter. Criteria: CeGaT Center For Human Genetics Tuebingen Variant Classification Criteria Version 2. Collection method: clinical testing. Allele origin: germline. Affected: yes. Observed: 1 variant allele.
Comment: NRXN2: BP4, BP7

Labcorp Genetics (formerly Invitae), Labcorp
Classification: Likely benign. Last evaluated: 2018-08-01. Review status: criteria provided, single submitter. Criteria: Invitae Variant Classification Sherloc (09022015). Collection method: clinical testing. Allele origin: germline.

NM_015080.4(NRXN2):c.3525C>T (p.Ser1175=)

Gene: NRXN2 (neurexin 2; minus strand). Cytogenetic location: 11q13.1.
Variant type: single nucleotide variant.
Coding change: c.3525C>T on transcript NM_015080.4 (MANE Select); coding-DNA position 3525, C replaced by T.
Protein change: p.Ser1175=; no amino-acid change (serine 1175 retained).
Molecular consequence: synonymous variant.
Genome position (GRCh38, 1-based): chr11:64,635,331, G>A on the plus strand (C>T on the coding strand, the complement: NRXN2 is on the minus strand). VCF-style: chr11-64635331-G-A. GRCh37 (hg19) VCF-style: chr11-64402803-G-A.
Other names: c.3525C>T, p.Ser1175= (NM_001376262.1); c.3504C>T, p.Ser1168= (NM_001376263.1, NM_001376267.1); c.3480C>T, p.Ser1160= (NM_001376265.1); c.3501C>T, p.Ser1167= (NM_001376266.1); c.3405C>T, p.Ser1135= (NM_138732.3); c.387C>T, p.Ser129= (NM_138734.3).
Identifiers: ClinVar variation 763458 (VCV000763458.8), dbSNP rs759047742, ClinGen allele CA6077873.
Genomic context (GRCh38, chr11:64,635,331, plus strand): 5'-GATGTGCAGCTGCAGGTAGTCTCCAAGGCCGGAGGCGCTGTCCACCCGCACCAGCACAGC[G>A]CTCCGCTGGTGGGTGCTGAAGCCCACGGCCAGGCGATCCATCCTCGTGCTGGGCCTGTCA-3'
Protein context (NP_055895.1, residues 1165-1185): LAVGFSTHQR[Ser1175=]AVLVRVDSAS